The following is an entry in ClinVar:

ClinVar aggregate classification (germline): Uncertain significance (1 of 4 stars; one submission).

Submission:

Labcorp Genetics (formerly Invitae), Labcorp
Classification: Uncertain significance. Last evaluated: 2025-03-18. Review status: criteria provided, single submitter. Criteria: Invitae Variant Classification Sherloc (09022015). Collection method: clinical testing. Allele origin: germline.
Comment: This sequence change replaces arginine, which is basic and polar, with glutamine, which is neutral and polar, at codon 326 of the RASGRP2 protein (p.Arg326Gln). This variant is present in population databases (rs768230608, gnomAD 0.002%). This variant has not been reported in the literature in individuals affected with RASGRP2-related conditions. An algorithm developed to predict the effect of missense changes on protein structure and function (PolyPhen-2) suggests that this variant is likely to be tolerated. In summary, the available evidence is currently insufficient to determine the role of this variant in disease. Therefore, it has been classified as a Variant of Uncertain Significance.

NM_001098671.2(RASGRP2):c.977G>A (p.Arg326Gln)

Gene: RASGRP2 (RAS guanyl releasing protein 2; minus strand). Cytogenetic location: 11q13.1.
Variant type: single nucleotide variant.
Coding change: c.977G>A on transcript NM_001098671.2 (MANE Select); coding-DNA position 977, G replaced by A.
Protein change: p.Arg326Gln; replaces arginine 326 with glutamine.
Molecular consequence: missense variant.
Genome position (GRCh38, 1-based): chr11:64,736,871, C>T on the plus strand (G>A on the coding strand, the complement: RASGRP2 is on the minus strand). VCF-style: chr11-64736871-C-T. GRCh37 (hg19) VCF-style: chr11-64504343-C-T.
Other names: c.977G>A, p.Arg326Gln (NM_001098670.2, NM_001440690.1, NM_001440691.1 and 9 more transcripts); c.542G>A, p.Arg181Gln (NM_001318398.2); c.974G>A, p.Arg325Gln (NM_001440700.1, NM_001440701.1, NM_001440702.1); c.1064G>A, p.Arg355Gln (NM_001440703.1, NM_001440704.1); c.1061G>A, p.Arg354Gln (NM_001440705.1); short protein forms R326Q, R354Q, R181Q, R355Q, R325Q.
Identifiers: ClinVar variation 4690718 (VCV004690718.1).
Genomic context (GRCh38, chr11:64,736,871, plus strand): 5'-ATGGCCAGCTCCTCCAGGATGCTAAAGAGCTGCTTCATCTTGGCCCCGTTGAGCCGGGTC[C>T]GGGCTGGGTCCAGCCAGTCAGGCAGTGCCAGCTGCAGGGCCACCAGGTCCTTGAGGTGCA-3'
Protein context (NP_001092141.1, residues 316-336): LALPDWLDPA[Arg326Gln]TRLNGAKMKQ